The following is an entry in ClinVar:

ClinVar aggregate classification (germline): Likely pathogenic (1 of 4 stars; one submission).

Conditions:
Nemaline myopathy 2 (NEM2). Also called: Nemaline myopathy 2, autosomal recessive. Identifiers: MedGen C1850569, MONDO:0009725, OMIM 256030.

Submission:

Myriad Genetics, Inc.
Classification: Likely pathogenic for Nemaline myopathy 2. Last evaluated: 2022-03-17. Review status: criteria provided, single submitter. Criteria: Myriad Women's Health Autosomal Recessive and X-Linked Classification Criteria (2021). Collection method: clinical testing. Allele origin: unknown.
Comment: NM_001271208.1(NEB):c.10211_10212insCTAC(V3405Yfs*9) is expected to be pathogenic in the context of NEB-related nemaline myopathy. This variant is predicted to lead to an abnormal or absent protein product due to the creation of a premature termination codon in NEB, a gene where loss-of-function variants are known to be pathogenic. Please note: this variant was assessed in the context of healthy population screening.

NM_001164508.2(NEB):c.10211_10212insCTAC (p.Val3405fs)

Gene: NEB (nebulin; minus strand). Cytogenetic location: 2q23.3.
Variant type: Insertion.
Coding change: c.10211_10212insCTAC on transcript NM_001164508.2 (MANE Select); coding-DNA positions 10211 to 10212, CTAC inserted.
Protein change: p.Val3405fs; shifts the reading frame from valine 3405.
Molecular consequence: frameshift variant.
Genome position: GRCh38 VCF-style: chr2-151627137-C-CGTAG. GRCh37 (hg19) VCF-style: chr2-152483651-C-CGTAG.
Other names: c.10211_10212insCTAC, p.Val3405fs (NM_001164507.2, NM_001271208.2); c.9482_9483insCTAC, p.Val3162fs (NM_004543.5); short protein forms V3162fs, V3405fs.
Identifiers: ClinVar variation 1725385 (VCV001725385.2), dbSNP rs2552236295, ClinGen allele CA2580064013.